The following is an entry in ClinVar:

GRCh37/hg19 1p36.33-36.32(chr1:2056695-2447725)x1

Genes: FAAP20 (FA core complex associated protein 20; minus strand), MORN1 (MORN repeat containing 1; minus strand), PANK4 (pantothenate kinase 4 (inactive); minus strand), PEX10 (peroxisomal biogenesis factor 10; minus strand), PLCH2 (phospholipase C eta 2; plus strand) and 3 more. Cytogenetic location: 1p36.33-36.32.
Variant type: copy number loss.
Change: copy number 1 (one copy instead of two) of chr1:2,056,695-2,447,725 (391.0 kb, GRCh37 coordinates, 1-based), cytogenetic band 1p36.33-36.32.
Identifiers: ClinVar variation 1808716 (VCV001808716.1).

ClinVar aggregate classification (germline): Pathogenic (1 of 4 stars; one submission).

Submission:

Quest Diagnostics Nichols Institute San Juan Capistrano
Classification: Pathogenic. Last evaluated: 2022-01-27. Review status: criteria provided, single submitter. Criteria: ACMG/ClinGen CNV Guidelines, 2019. Collection method: clinical testing. Allele origin: unknown.
Comment: This imbalance is expected to cause phenotypic and/or developmental abnormalities. Deletion of chromosome 1p36 causes multiplecongenital anomalies and intellectual disability (OMIM 607872).There is little correlation between the deletion size and the numberof clinical features, although the severity may correlate with the deletion size (PMID 24252393). It has been suggested that some features of monosomy 1p36 might result from positional effects rathe rthan a simple contiguous gene deletion. One study included five individuals who presented with features of monosomy 1p36 with small interstitial deletions and mapped the smallest region of deletion to 174 kb, containing five candidate genes for some of the phenotypic features in monosomy 1p36 (PMID 20635359). More recent reviews associating genes/genomic regions tophenotype are also available (PMID 26345236, 25172301).